The following is an entry in ClinVar:

NM_001142864.4(PIEZO1):c.6753+6T>C

Gene: PIEZO1 (piezo type mechanosensitive ion channel component 1 (Er blood group); minus strand). Cytogenetic location: 16q24.3.
Variant type: single nucleotide variant.
Coding change: c.6753+6T>C on transcript NM_001142864.4 (MANE Select); 6 bases into the intron after coding-DNA position 6753, T replaced by C.
Molecular consequence: intron variant.
Genome position (GRCh38, 1-based): chr16:88,716,800, A>G on the plus strand (T>C on the coding strand, the complement: PIEZO1 is on the minus strand). VCF-style: chr16-88716800-A-G. GRCh37 (hg19) VCF-style: chr16-88783208-A-G.
Other names: p.?.
Identifiers: ClinVar variation 4684128 (VCV004684128.1).

ClinVar aggregate classification (germline): Likely benign (1 of 4 stars; one submission).

gnomAD v4.1: 30 of 1,549,904 alleles (0.0019%); highest among the groups gnomAD compares: African/African-American, 0.029%; no homozygotes.

Submission:

Mayo Clinic Laboratories, Mayo Clinic
Classification: Likely benign. Last evaluated: 2025-09-16. Review status: criteria provided, single submitter. Criteria: ACMG Guidelines, 2015. Collection method: clinical testing. Allele origin: germline. Observed: 1 variant allele.
Comment: BP4, BP7